The following is an entry in ClinVar:

NM_032242.4(PLXNA1):c.4857C>G (p.Ser1619=)

Gene: PLXNA1 (plexin A1; plus strand). Cytogenetic location: 3q21.3.
Variant type: single nucleotide variant.
Coding change: c.4857C>G on transcript NM_032242.4 (MANE Select); coding-DNA position 4857, C replaced by G.
Protein change: p.Ser1619=; no amino-acid change (serine 1619 retained).
Molecular consequence: synonymous variant.
Genome position (GRCh38, 1-based): chr3:127,029,523, C>G. VCF-style: chr3-127029523-C-G. GRCh37 (hg19) VCF-style: chr3-126748366-C-G.
Identifiers: ClinVar variation 4985274 (VCV004985274.1).
Genomic context (GRCh38, chr3:127,029,523, plus strand): 5'-ACTGGTGCCCAAGCAGACGTCCGCCTACAACATCTCCAACTCCTCCACCTTCACCAAGTC[C>G]CTCAGCAGATACGGTGAGGGGCCAGGCAGCGGGCGAGAGGGCAGCGCATGGGTCCCTGGC-3'
Protein context (NP_115618.3, residues 1609-1629): NISNSSTFTK[Ser1619=]LSRYESMLRT

ClinVar aggregate classification (germline): Likely benign (1 of 4 stars; one submission).

Conditions:
PLXNA1-related disorder. Also called: PLXNA1-related condition.

gnomAD v4.1: 2 of 1,613,884 alleles (0.00012%); highest among the groups gnomAD compares: Admixed American, 0.0033%; no homozygotes.

Submission:

PreventionGenetics, part of Exact Sciences
Classification: Likely benign for PLXNA1-related condition. Last evaluated: 2025-12-31. Review status: criteria provided, single submitter. Criteria: ACMG Guidelines, 2015. Collection method: clinical testing. Allele origin: germline.
Comment: This variant is classified as likely benign based on ACMG/AMP sequence variant interpretation guidelines (Richards et al. 2015 PMID: 25741868, with internal and published modifications).